The following is an entry in ClinVar:

NM_001378615.1(CC2D2A):c.1883dup (p.Val629fs)

Genes: CC2D2A (coiled-coil and C2 domain containing 2A; plus strand), FBXL5 (F-box and leucine rich repeat protein 5; minus strand). Cytogenetic location: 4p15.32.
Variant type: Duplication.
Coding change: c.1883dup on transcript NM_001378615.1 (MANE Select); coding-DNA position 1883, one base duplicated (C; older notation c.1883dupC).
Protein change: p.Val629fs; shifts the reading frame from valine 629.
Molecular consequence: frameshift variant.
Genome position (GRCh38, 1-based): chr4:15,538,017, C duplicated. VCF-style (leftmost placement, unchanged base first): chr4-15538016-G-GC. GRCh37 (hg19) VCF-style: chr4-15539639-G-GC.
Other names: c.1883dup, p.Val629fs (NM_001080522.2); c.1736dup, p.Val580fs (NM_001378617.1); short protein forms V580fs, V629fs.
Identifiers: ClinVar variation 2947354 (VCV002947354.3), dbSNP rs2474978902, ClinGen allele CA2740091234.

ClinVar aggregate classification (germline): Pathogenic (1 of 4 stars; one submission).

Conditions:
Joubert syndrome. Also called: JOUBERT-BOLTSHAUSER SYNDROME; Familial aplasia of the vermis. Identifiers: Orphanet 475, MedGen C5979921, MONDO:0018772.
Meckel-Gruber syndrome. Also called: DYSENCEPHALIA SPLANCHNOCYSTICA; GRUBER SYNDROME; Dysencephalia splachnocystica. Identifiers: Orphanet 564, MedGen C0265215, MONDO:0018921.

Submission:

Labcorp Genetics (formerly Invitae), Labcorp
Classification: Pathogenic for Joubert syndrome; Meckel-Gruber syndrome. Last evaluated: 2023-05-15. Review status: criteria provided, single submitter. Criteria: Invitae Variant Classification Sherloc (09022015). Collection method: clinical testing. Allele origin: germline.
Comment: For these reasons, this variant has been classified as Pathogenic. This variant has not been reported in the literature in individuals affected with CC2D2A-related conditions. This variant is not present in population databases (gnomAD no frequency). This sequence change creates a premature translational stop signal (p.Val629Serfs*36) in the CC2D2A gene. It is expected to result in an absent or disrupted protein product. Loss-of-function variants in CC2D2A are known to be pathogenic (PMID: 19777577).

Literature cited by the submitters: PubMed 19777577.